The following is an entry in ClinVar:

ClinVar aggregate classification (germline): Uncertain significance. Review status: criteria provided, multiple submitters, no conflicts (2 of 4 stars). 2 submissions from 2 submitters: Uncertain significance (2). Last evaluated 2024-01-17.

Conditions:
Haddad syndrome (OHD). Also called: Ondine-Hirschsprung disease. Identifiers: Orphanet 99803, MedGen C1859049, MONDO:0020493.
Hereditary cancer-predisposing syndrome. Also called: Hereditary neoplastic syndrome; Neoplastic Syndromes, Hereditary; Tumor predisposition; Hereditary Cancer Syndrome. Identifiers: Orphanet 140162, MedGen C0027672, MeSH D009386, MONDO:0015356.

Allele frequency attached by ClinVar (database versions not stated): gnomAD exomes below 0.00001; ExAC 0.00001.

Submissions (2):

Ambry Genetics
Classification: Uncertain significance for Hereditary cancer-predisposing syndrome. Last evaluated: 2024-01-17. Review status: criteria provided, single submitter. Criteria: Ambry Variant Classification Scheme 2023. Collection method: clinical testing. Allele origin: germline.
Comment: The p.P58S variant (also known as c.172C>T), located in coding exon 1 of the PHOX2B gene, results from a C to T substitution at nucleotide position 172. The proline at codon 58 is replaced by serine, an amino acid with similar properties. This amino acid position is highly conserved in available vertebrate species. In addition, the in silico prediction for this alteration is inconclusive. Since supporting evidence is limited at this time, the clinical significance of this alteration remains unclear.

Labcorp Genetics (formerly Invitae), Labcorp
Classification: Uncertain significance for Haddad syndrome. Last evaluated: 2019-06-21. Review status: criteria provided, single submitter. Criteria: Invitae Variant Classification Sherloc (09022015). Collection method: clinical testing. Allele origin: germline.
Comment: This sequence change replaces proline with serine at codon 58 of the PHOX2B protein (p.Pro58Ser). The proline residue is highly conserved and there is a moderate physicochemical difference between proline and serine. This variant is present in population databases (rs774739194, ExAC 0.006%). This variant has not been reported in the literature in individuals with PHOX2B-related conditions. Algorithms developed to predict the effect of missense changes on protein structure and function (SIFT, PolyPhen-2, Align-GVGD) all suggest that this variant is likely to be disruptive, but these predictions have not been confirmed by published functional studies and their clinical significance is uncertain. In summary, the available evidence is currently insufficient to determine the role of this variant in disease. Therefore, it has been classified as a Variant of Uncertain Significance.

NM_003924.4(PHOX2B):c.172C>T (p.Pro58Ser)

Genes: PHOX2B (paired like homeobox 2B; minus strand), PHOX2B-AS1 (PHOX2B antisense RNA 1; plus strand). Cytogenetic location: 4p13.
Variant type: single nucleotide variant.
Coding change: c.172C>T on transcript NM_003924.4 (MANE Select); coding-DNA position 172, C replaced by T.
Protein change: p.Pro58Ser; replaces proline 58 with serine.
Molecular consequence: missense variant.
Genome position (GRCh38, 1-based): chr4:41,748,439, G>A on the plus strand (C>T on the coding strand, the complement: PHOX2B is on the minus strand). VCF-style: chr4-41748439-G-A. GRCh37 (hg19) VCF-style: chr4-41750456-G-A.
Other names: short protein forms P58S.
Identifiers: ClinVar variation 941134 (VCV000941134.11), dbSNP rs774739194, ClinGen allele CA2901601.